The following is an entry in ClinVar:

ClinVar aggregate classification (germline): Uncertain significance. Review status: criteria provided, multiple submitters, no conflicts (2 of 4 stars). 2 submissions from 2 submitters: Uncertain significance (2). Last evaluated 2024-08-12.

Conditions:
Inborn genetic diseases. Identifiers: MedGen C0950123, MeSH D030342.

Allele frequency attached by ClinVar (database versions not stated): gnomAD exomes below 0.00001.
gnomAD v4.1: 1 of 1,613,440 alleles (0.000062%); highest among the groups gnomAD compares: Non-Finnish European, 0.000085%; no homozygotes.

Submissions (2):

Ambry Genetics
Classification: Uncertain significance for Inborn genetic diseases. Last evaluated: 2024-08-12. Review status: criteria provided, single submitter. Criteria: Ambry Variant Classification Scheme 2023. Collection method: clinical testing. Allele origin: germline.

Labcorp Genetics (formerly Invitae), Labcorp
Classification: Uncertain significance. Last evaluated: 2022-04-04. Review status: criteria provided, single submitter. Criteria: Invitae Variant Classification Sherloc (09022015). Collection method: clinical testing. Allele origin: germline.
Comment: This sequence change replaces valine, which is neutral and non-polar, with methionine, which is neutral and non-polar, at codon 55 of the ARPC1B protein (p.Val55Met). This variant is not present in population databases (gnomAD no frequency). This variant has not been reported in the literature in individuals affected with ARPC1B-related conditions. Algorithms developed to predict the effect of missense changes on protein structure and function are either unavailable or do not agree on the potential impact of this missense change (SIFT: "Deleterious"; PolyPhen-2: "Probably Damaging"; Align-GVGD: "Class C0"). In summary, the available evidence is currently insufficient to determine the role of this variant in disease. Therefore, it has been classified as a Variant of Uncertain Significance.

NM_005720.4(ARPC1B):c.163G>A (p.Val55Met)

Gene: ARPC1B (actin related protein 2/3 complex subunit 1B; plus strand). Cytogenetic location: 7q22.1.
Variant type: single nucleotide variant.
Coding change: c.163G>A on transcript NM_005720.4 (MANE Select); coding-DNA position 163, G replaced by A.
Protein change: p.Val55Met; replaces valine 55 with methionine.
Molecular consequence: missense variant.
Genome position (GRCh38, 1-based): chr7:99,386,783, G>A. VCF-style: chr7-99386783-G-A. GRCh37 (hg19) VCF-style: chr7-98984406-G-A.
Other names: c.163G>A (NM_005720.3); short protein forms V55M.
Identifiers: ClinVar variation 1897843 (VCV001897843.6), dbSNP rs2484631017, ClinGen allele CA368315678.